The following is an entry in ClinVar:

ClinVar aggregate classification (germline): Uncertain significance (1 of 4 stars; one submission).

Allele frequency attached by ClinVar (database versions not stated): gnomAD 0.00001; gnomAD exomes 0.00002; ExAC 0.00003; TOPMed 0.00003.
gnomAD v4.1: 26 of 1,605,560 alleles (0.0016%); highest among the groups gnomAD compares: Non-Finnish European, 0.002%; no homozygotes.

Submission:

Labcorp Genetics (formerly Invitae), Labcorp
Classification: Uncertain significance. Last evaluated: 2022-06-28. Review status: criteria provided, single submitter. Criteria: Invitae Variant Classification Sherloc (09022015). Collection method: clinical testing. Allele origin: germline.
Comment: This sequence change falls in intron 7 of the SLC27A4 gene. It does not directly change the encoded amino acid sequence of the SLC27A4 protein. It affects a nucleotide within the consensus splice site. This variant is present in population databases (rs776322345, gnomAD 0.005%). This variant has not been reported in the literature in individuals affected with SLC27A4-related conditions. Variants that disrupt the consensus splice site are a relatively common cause of aberrant splicing (PMID: 17576681, 9536098). Algorithms developed to predict the effect of sequence changes on RNA splicing suggest that this variant may disrupt the consensus splice site. In summary, the available evidence is currently insufficient to determine the role of this variant in disease. Therefore, it has been classified as a Variant of Uncertain Significance.

Literature cited by the submitters: PubMed 17576681; PubMed 9536098.

NM_005094.4(SLC27A4):c.987+3G>A

Gene: SLC27A4 (solute carrier family 27 member 4; plus strand). Cytogenetic location: 9q34.11.
Variant type: single nucleotide variant.
Coding change: c.987+3G>A on transcript NM_005094.4 (MANE Select); 3 bases into the intron after coding-DNA position 987, G replaced by A.
Molecular consequence: intron variant.
Genome position (GRCh38, 1-based): chr9:128,352,750, G>A. VCF-style: chr9-128352750-G-A. GRCh37 (hg19) VCF-style: chr9-131115029-G-A.
Identifiers: ClinVar variation 1909407 (VCV001909407.2), dbSNP rs776322345, ClinGen allele CA5261135.